The following is an entry in ClinVar:

ClinVar aggregate classification (germline): Uncertain significance (1 of 4 stars; one submission).

Submission:

Labcorp Genetics (formerly Invitae), Labcorp
Classification: Uncertain significance. Last evaluated: 2023-03-08. Review status: criteria provided, single submitter. Criteria: Invitae Variant Classification Sherloc (09022015). Collection method: clinical testing. Allele origin: germline.
Comment: In summary, the available evidence is currently insufficient to determine the role of this variant in disease. Therefore, it has been classified as a Variant of Uncertain Significance. Advanced modeling of protein sequence and biophysical properties (such as structural, functional, and spatial information, amino acid conservation, physicochemical variation, residue mobility, and thermodynamic stability) performed at Invitae indicates that this missense variant is not expected to disrupt STAG2 protein function. This variant has not been reported in the literature in individuals affected with STAG2-related conditions. This variant is not present in population databases (gnomAD no frequency). This sequence change replaces tyrosine, which is neutral and polar, with asparagine, which is neutral and polar, at codon 319 of the STAG2 protein (p.Tyr319Asn).

NM_001042750.2(STAG2):c.955T>A (p.Tyr319Asn)

Gene: STAG2 (STAG2 cohesin complex component; plus strand). Cytogenetic location: Xq25.
Variant type: single nucleotide variant.
Coding change: c.955T>A on transcript NM_001042750.2 (MANE Select); coding-DNA position 955, T replaced by A.
Protein change: p.Tyr319Asn; replaces tyrosine 319 with asparagine.
Molecular consequence: missense variant.
Genome position (GRCh38, 1-based): chrX:124,050,247, T>A. VCF-style: chrX-124050247-T-A. GRCh37 (hg19) VCF-style: chrX-123184097-T-A.
Other names: c.955T>A, p.Tyr319Asn (NM_001042749.2, NM_001042751.2, NM_001282418.2 and 13 more transcripts); short protein forms Y319N.
Identifiers: ClinVar variation 2843648 (VCV002843648.3), dbSNP rs2521414295, ClinGen allele CA414276753.